The following is an entry in ClinVar:

NM_001292063.2(OTOG):c.2695C>G (p.Gln899Glu)

Gene: OTOG (otogelin; plus strand). Cytogenetic location: 11p15.1.
Variant type: single nucleotide variant.
Coding change: c.2695C>G on transcript NM_001292063.2 (MANE Select); coding-DNA position 2695, C replaced by G.
Protein change: p.Gln899Glu; replaces glutamine 899 with glutamic acid.
Molecular consequence: missense variant.
Genome position (GRCh38, 1-based): chr11:17,578,462, C>G. VCF-style: chr11-17578462-C-G. GRCh37 (hg19) VCF-style: chr11-17600009-C-G.
Other names: c.2731C>G, p.Gln911Glu (NM_001277269.2); short protein forms Q899E, Q911E.
Identifiers: ClinVar variation 2503307 (VCV002503307.1), dbSNP rs888280826, ClinGen allele CA218454458.

ClinVar aggregate classification (germline): Uncertain significance (1 of 4 stars; one submission).

gnomAD v4.1: 20 of 1,541,336 alleles (0.0013%); highest among the groups gnomAD compares: African/African-American, 0.023%; no homozygotes.

Submission:

GeneDx
Classification: Uncertain significance. Last evaluated: 2022-11-23. Review status: criteria provided, single submitter. Criteria: GeneDx Variant Classification Process June 2021. Collection method: clinical testing. Allele origin: germline. Affected: yes.
Comment: In silico analysis supports that this missense variant does not alter protein structure/function; Has not been previously published as pathogenic or benign to our knowledge